The following is an entry in ClinVar:

NM_001277115.2(DNAH11):c.12428T>C (p.Met4143Thr)

Gene: DNAH11 (dynein axonemal heavy chain 11; plus strand). Cytogenetic location: 7p15.3.
Variant type: single nucleotide variant.
Coding change: c.12428T>C on transcript NM_001277115.2 (MANE Select); coding-DNA position 12428, T replaced by C.
Protein change: p.Met4143Thr; replaces methionine 4143 with threonine.
Molecular consequence: missense variant.
Genome position (GRCh38, 1-based): chr7:21,884,331, T>C. VCF-style: chr7-21884331-T-C. GRCh37 (hg19) VCF-style: chr7-21923949-T-C.
Other names: short protein forms M4143T.
Identifiers: ClinVar variation 454651 (VCV000454651.10), dbSNP rs751994566, ClinGen allele CA4183078.

ClinVar aggregate classification (germline): Conflicting classifications of pathogenicity. Review status: criteria provided, conflicting classifications (1 of 4 stars). 2 submissions from 2 submitters: Uncertain significance (1); Likely benign (1). Last evaluated 2025-12-11.

Conditions:
Primary ciliary dyskinesia. Also called: Ciliary dyskinesia. Identifiers: Orphanet 244, MedGen C0008780, MONDO:0016575, HP:0012265.

Allele frequency attached by ClinVar (database versions not stated): gnomAD 0.00001; gnomAD exomes 0.00002 and 0.00007; TOPMed 0.00005; ExAC 0.00007.
gnomAD v4.1: 36 of 1,613,090 alleles (0.0022%); highest among the groups gnomAD compares: East Asian, 0.062%; no homozygotes.

Submissions (2):

Women's Health and Genetics/Laboratory Corporation of America, LabCorp
Classification: Uncertain significance. Last evaluated: 2025-12-11. Review status: criteria provided, single submitter. Criteria: LabCorp Variant Classification Summary - May 2015. Collection method: clinical testing. Allele origin: germline.
Comment: Variant summary: DNAH11 c.12428T>C (p.Met4143Thr) results in a non-conservative amino acid change in the encoded protein sequence. Algorithms developed to predict the effect of missense changes on protein structure and function are either unavailable or do not agree on the potential impact of this missense change. The variant allele was found at a frequency of 7.2e-05 in 248620 control chromosomes. This frequency is not significantly higher than estimated for disease-causing variants in DNAH11, allowing no conclusion about variant significance. To our knowledge, no occurrence of c.12428T>C in individuals affected with DNAH11-related primary ciliary dyskinesia and no experimental evidence demonstrating its impact on protein function have been reported. The following publications have been ascertained in the context of this evaluation (PMID: 38568462, 34868264, 39256880, 31160482, 39115449). ClinVar contains an entry for this variant (Variation ID: 454651). Based on the evidence outlined above, the variant was classified as uncertain significance.

Labcorp Genetics (formerly Invitae), Labcorp
Classification: Likely benign for Primary ciliary dyskinesia. Last evaluated: 2024-03-13. Review status: criteria provided, single submitter. Criteria: Invitae Variant Classification Sherloc (09022015). Collection method: clinical testing. Allele origin: germline.

Literature cited by the submitters: PubMed 38568462 (cited by Women's Health and Genetics/Laboratory Corporation of America, LabCorp); PubMed 34868264 (cited by Women's Health and Genetics/Laboratory Corporation of America, LabCorp); PubMed 39256880 (cited by Women's Health and Genetics/Laboratory Corporation of America, LabCorp); PubMed 31160482 (cited by Women's Health and Genetics/Laboratory Corporation of America, LabCorp); PubMed 39115449 (cited by Women's Health and Genetics/Laboratory Corporation of America, LabCorp).